The following is an entry in ClinVar:

ClinVar aggregate classification (germline): Uncertain significance. Review status: criteria provided, multiple submitters, no conflicts (2 of 4 stars). 8 submissions from 8 submitters: Uncertain significance (8). Last evaluated 2024-07-29.

Conditions:
Familial thoracic aortic aneurysm and aortic dissection (TAAD). Also called: Thoracic aortic aneurysms and dissections. Identifiers: Orphanet 91387, MedGen C4707243, MONDO:0019625.
Aortic aneurysm, familial thoracic 4 (AAT4). Also called: AORTIC ANEURYSM/AORTIC DISSECTION AND PATENT DUCTUS ARTERIOSUS. Identifiers: MedGen C1851504, MONDO:0007568, OMIM 132900.
Megacystis-microcolon-intestinal hypoperistalsis syndrome 2. Identifiers: MedGen C5543476, MONDO:0025708, OMIM 619351.
Visceral myopathy 2. Identifiers: MedGen C5543466, MONDO:0859157, OMIM 619350.
MYH11-related disorder. Also called: MYH11-related condition.

Allele frequency attached by ClinVar (database versions not stated): gnomAD exomes 0.00001; ExAC 0.00002; ESP Exome Variant Server 0.00008.
gnomAD v4.1: 18 of 1,614,156 alleles (0.0011%); highest among the groups gnomAD compares: Middle Eastern, 0.049%; no homozygotes.

Submissions (8):

All of Us Research Program, National Institutes of Health
Classification: Uncertain significance for Familial thoracic aortic aneurysm and aortic dissection. Last evaluated: 2024-07-29. Review status: criteria provided, single submitter. Criteria: ACMG Guidelines, 2015. Collection method: clinical testing. Allele origin: germline. Inheritance: Autosomal dominant inheritance. Observed: 11 variant alleles, 11 heterozygotes.
Comment: This missense variant replaces alanine with glycine at codon 1483 of the MYH11 protein. Computational prediction tool suggests that this variant may not impact protein structure and function (internally defined REVEL score threshold <=0.5, PMID: 27666373). Splice site prediction tools suggest that this variant may not impact RNA splicing. To our knowledge, functional studies have not been performed for this variant. This variant has not been reported in individuals affected with cardiovascular disorders in the literature. This variant has been identified in 3/251482 chromosomes in the general population by the Genome Aggregation Database (gnomAD). The available evidence is insufficient to determine the role of this variant in disease conclusively. Therefore, this variant is classified as a Variant of Uncertain Significance.

This study involves interpretation of variants in research participants for the purpose of population health screening. Participant phenotype was not available at the time of variant classification. Additional details can be found in publication PMID: 35346344, PMCID: PMC8962531

Color Diagnostics, LLC DBA Color Health
Classification: Uncertain significance for Familial thoracic aortic aneurysm and aortic dissection. Last evaluated: 2024-03-07. Review status: criteria provided, single submitter. Criteria: ACMG Guidelines, 2015. Collection method: clinical testing. Allele origin: germline.
Comment: This missense variant replaces alanine with glycine at codon 1483 of the MYH11 protein. Computational prediction suggests that this variant may not impact protein structure and function (internally defined REVEL score threshold <= 0.5, PMID: 27666373). To our knowledge, functional studies have not been reported for this variant. This variant has not been reported in individuals affected with MYH11-related disorders in the literature. This variant has been identified in 3/251482 chromosomes in the general population by the Genome Aggregation Database (gnomAD). The available evidence is insufficient to determine the role of this variant in disease conclusively. Therefore, this variant is classified as a Variant of Uncertain Significance.

Labcorp Genetics (formerly Invitae), Labcorp
Classification: Uncertain significance for Aortic aneurysm, familial thoracic 4. Last evaluated: 2023-11-17. Review status: criteria provided, single submitter. Criteria: Invitae Variant Classification Sherloc (09022015). Collection method: clinical testing. Allele origin: germline.
Comment: This sequence change replaces alanine, which is neutral and non-polar, with glycine, which is neutral and non-polar, at codon 1483 of the MYH11 protein (p.Ala1483Gly). This variant is present in population databases (rs367746199, gnomAD 0.003%). This variant has not been reported in the literature in individuals affected with MYH11-related conditions. ClinVar contains an entry for this variant (Variation ID: 920154). Advanced modeling of protein sequence and biophysical properties (such as structural, functional, and spatial information, amino acid conservation, physicochemical variation, residue mobility, and thermodynamic stability) performed at Invitae indicates that this missense variant is not expected to disrupt MYH11 protein function with a negative predictive value of 95%. In summary, the available evidence is currently insufficient to determine the role of this variant in disease. Therefore, it has been classified as a Variant of Uncertain Significance.

PreventionGenetics, part of Exact Sciences
Classification: Uncertain significance for MYH11-related condition. Last evaluated: 2023-05-11. Review status: criteria provided, single submitter. Criteria: ACMG Guidelines, 2015. Collection method: clinical testing. Allele origin: germline.
Comment: The MYH11 c.4448C>G variant is predicted to result in the amino acid substitution p.Ala1483Gly. To our knowledge, this variant has not been reported in the literature. This variant is reported in 0.0018% of alleles in individuals of European (Non-Finnish) descent in gnomAD. At this time, the clinical significance of this variant is uncertain due to the absence of conclusive functional and genetic evidence.

GeneDx
Classification: Uncertain significance. Last evaluated: 2023-04-17. Review status: criteria provided, single submitter. Criteria: GeneDx Variant Classification Process June 2021. Collection method: clinical testing. Allele origin: germline. Affected: yes.
Comment: Has not been previously published as pathogenic or benign to our knowledge; Not observed at significant frequency in large population cohorts (gnomAD); Identified in patients with a reported history of aortic dilation referred for genetic testing at GeneDx; however, this variant does not demonstrate segregation with disease in one family; In silico analysis supports that this missense variant has a deleterious effect on protein structure/function

Ambry Genetics
Classification: Uncertain significance for Familial thoracic aortic aneurysm and aortic dissection. Last evaluated: 2022-06-02. Review status: criteria provided, single submitter. Criteria: Ambry Variant Classification Scheme 2023. Collection method: clinical testing. Allele origin: germline.
Comment: The p.A1476G variant (also known as c.4427C>G), located in coding exon 31 of the MYH11 gene, results from a C to G substitution at nucleotide position 4427. The alanine at codon 1476 is replaced by glycine, an amino acid with similar properties. This amino acid position is conserved. In addition, the in silico prediction for this alteration is inconclusive. Since supporting evidence is limited at this time, the clinical significance of this alteration remains unclear.

Fulgent Genetics
Classification: Uncertain significance for Aortic aneurysm, familial thoracic 4; Visceral myopathy 2; Megacystis-microcolon-intestinal hypoperistalsis syndrome 2. Last evaluated: 2021-11-02. Review status: criteria provided, single submitter. Criteria: ACMG Guidelines, 2015. Collection method: clinical testing. Allele origin: unknown.

CHEO Genetics Diagnostic Laboratory, Children's Hospital of Eastern Ontario
Classification: Uncertain significance for Familial thoracic aortic aneurysm and aortic dissection. Last evaluated: 2021-06-11. Review status: criteria provided, single submitter. Criteria: ACMG Guidelines, 2015. Collection method: clinical testing. Allele origin: germline.

NM_002474.3(MYH11):c.4427C>G (p.Ala1476Gly)

Genes: MYH11 (myosin heavy chain 11; minus strand), NDE1 (nudE neurodevelopment protein 1; plus strand). Cytogenetic location: 16p13.11.
Variant type: single nucleotide variant.
Coding change: c.4427C>G on transcript NM_002474.3 (MANE Select); coding-DNA position 4427, C replaced by G.
Protein change: p.Ala1476Gly; replaces alanine 1476 with glycine.
Molecular consequence: missense variant. On other transcripts: intron variant (2).
Genome position (GRCh38, 1-based): chr16:15,721,573, G>C on the plus strand (C>G on the coding strand, the complement: MYH11 is on the minus strand). VCF-style: chr16-15721573-G-C. GRCh37 (hg19) VCF-style: chr16-15815430-G-C.
Other names: c.4448C>G, p.Ala1483Gly (NM_001040113.2, NM_001040114.2); c.4427C>G, p.Ala1476Gly (NM_022844.3); c.948-2618G>C (NM_001143979.2, NM_017668.3); short protein forms A1483G, A1476G.
Identifiers: ClinVar variation 920154 (VCV000920154.18), dbSNP rs367746199, ClinGen allele CA7921664.
Genomic context (GRCh38, chr16:15,721,573, plus strand): 5'-AAGGCCTCTTCAAGGGCCCGAGCCAGGGACAGGGCCTTGGTTTCCTTCTCCCTGGCTTCT[G>C]CCTCAGCTCTGTCCCTCTCATCCGCGTATTTGGAAGAGATGTTTTTCTCCTCGGCTAACA-3'
Protein context (NP_002465.1, residues 1466-1486): KYADERDRAE[Ala1476Gly]EAREKETKAL